The following is an entry in ClinVar:

NM_000170.3(GLDC):c.862-12C>G

Gene: GLDC (glycine decarboxylase; minus strand). Cytogenetic location: 9p24.1.
Variant type: single nucleotide variant.
Coding change: c.862-12C>G on transcript NM_000170.3 (MANE Select); 12 bases into the intron before coding-DNA position 862, C replaced by G.
Molecular consequence: intron variant.
Genome position (GRCh38, 1-based): chr9:6,604,796, G>C on the plus strand (C>G on the coding strand, the complement: GLDC is on the minus strand). VCF-style: chr9-6604796-G-C. GRCh37 (hg19) VCF-style: chr9-6604796-G-C.
Identifiers: ClinVar variation 1302146 (VCV001302146.2), dbSNP rs767628262, ClinGen allele CA4980938.
Genomic context (GRCh38, chr9:6,604,796, plus strand): 5'-GCCTCAAGATGCACAAAGCTAAAAGGTCAGTAGCACAGCAGGCCAGGCTCTAGAAAGGAA[G>C]TGAGAGAAAAGGAACAAGGTTGCTACCTTTCCCTGAGAGTAGTGGGAGAGTAGGAAATTA-3'

ClinVar aggregate classification (germline): Uncertain significance (1 of 4 stars; one submission).

Allele frequency attached by ClinVar (database versions not stated): ExAC 0.00001; gnomAD exomes 0.00001.
gnomAD v4.1: 16 of 1,610,876 alleles (0.00099%); highest among the groups gnomAD compares: Non-Finnish European, 0.0012%; no homozygotes.

Submission:

GeneDx
Classification: Uncertain significance. Last evaluated: 2019-07-02. Review status: criteria provided, single submitter. Criteria: GeneDx Variant Classification Process June 2021. Collection method: clinical testing. Allele origin: germline. Affected: yes.
Comment: Not observed at a significant frequency in large population cohorts (Lek et al., 2016); Has not been previously published as pathogenic or benign to our knowledge; In silico analysis, which includes splice predictors and evolutionary conservation, suggests this variant may impact gene splicing. In the absence of RNA/functional studies, the actual effect of this sequence change is unknown.